The following is an entry in ClinVar:

NM_006231.4(POLE):c.2348T>G (p.Val783Gly)

Gene: POLE (DNA polymerase epsilon, catalytic subunit; minus strand). Cytogenetic location: 12q24.33.
Variant type: single nucleotide variant.
Coding change: c.2348T>G on transcript NM_006231.4 (MANE Select); coding-DNA position 2348, T replaced by G.
Protein change: p.Val783Gly; replaces valine 783 with glycine.
Molecular consequence: missense variant.
Genome position (GRCh38, 1-based): chr12:132,665,422, A>C on the plus strand (T>G on the coding strand, the complement: POLE is on the minus strand). VCF-style: chr12-132665422-A-C. GRCh37 (hg19) VCF-style: chr12-133242008-A-C.
Other names: short protein forms V783G.
Identifiers: ClinVar variation 3225414 (VCV003225414.1), dbSNP rs1269621526, ClinGen allele CA387397815.

ClinVar aggregate classification (germline): Uncertain significance (1 of 4 stars; one submission).

Conditions:
Hereditary cancer-predisposing syndrome. Also called: Neoplastic Syndromes, Hereditary; Tumor predisposition; Hereditary neoplastic syndrome; Hereditary Cancer Syndrome. Identifiers: Orphanet 140162, MedGen C0027672, MeSH D009386, MONDO:0015356.

Submission:

Ambry Genetics
Classification: Uncertain significance for Hereditary cancer-predisposing syndrome. Last evaluated: 2024-01-05. Review status: criteria provided, single submitter. Criteria: Ambry Variant Classification Scheme 2023. Collection method: clinical testing. Allele origin: germline.
Comment: The p.V783G variant (also known as c.2348T>G), located in coding exon 21 of the POLE gene, results from a T to G substitution at nucleotide position 2348. The valine at codon 783 is replaced by glycine, an amino acid with dissimilar properties. This amino acid position is conserved. In addition, this alteration is predicted to be tolerated by in silico analysis. Since supporting evidence is limited at this time, the clinical significance of this alteration remains unclear.